The following is an entry in ClinVar:

NM_005477.3(HCN4):c.3502_3505del (p.Phe1168fs)

Gene: HCN4 (hyperpolarization activated cyclic nucleotide gated potassium channel 4; minus strand). Cytogenetic location: 15q24.1.
Variant type: Microsatellite.
Coding change: c.3502_3505del on transcript NM_005477.3 (MANE Select); coding-DNA positions 3502 to 3505, 4 bases deleted (TTTG; older notation c.3502_3505delTTTG).
Protein change: p.Phe1168fs; shifts the reading frame from phenylalanine 1168.
Molecular consequence: frameshift variant.
Genome position (GRCh38, 1-based): chr15:73,322,588-73,322,591, CAAA deleted on the plus strand (TTTG on the coding strand, the reverse complement: HCN4 is on the minus strand); deleting any 4 consecutive bases within chr15:73,322,588-73,322,595 gives the same sequence; the c. name uses the placement nearest the transcript's 3' end. VCF-style (leftmost placement, unchanged base first): chr15-73322587-CCAAA-C. GRCh37 (hg19) VCF-style: chr15-73614928-CCAAA-C.
Other names: c.3502_3505delTTTG (NM_005477.2); short protein forms F1168fs.
Identifiers: ClinVar variation 191377 (VCV000191377.29), dbSNP rs786205259, ClinGen allele CA199790.

ClinVar aggregate classification (germline): Conflicting classifications of pathogenicity. Review status: criteria provided, conflicting classifications (1 of 4 stars). 11 submissions from 11 submitters: Uncertain significance (6); Likely benign (1). 4 of the submissions do not count toward it. Last evaluated 2026-02-01.

Conditions:
Cardiovascular phenotype. Identifiers: MedGen CN230736.
Brugada syndrome 8 (BRGDA8). Identifiers: Orphanet 130, MedGen C2751083, MONDO:0013148, OMIM 613123.
Epilepsy, idiopathic generalized, susceptibility to, 18. Identifiers: MedGen C5561983, MONDO:0030434, OMIM 619521.
Sick sinus syndrome 2, autosomal dominant (SSS2). Also called: SICK SINUS SYNDROME 2; SICK SINUS SYNDROME 2 WITH OR WITHOUT CARDIAC NONCOMPACTION AND/OR ASCENDING AORTA DILATION; ATRIAL FIBRILLATION WITH BRADYARRHYTHMIA; SINUS BRADYCARDIA SYNDROME, FAMILIAL, AUTOSOMAL DOMINANT; SINUS NODE DISEASE, FAMILIAL, AUTOSOMAL DOMINANT. Identifiers: Orphanet 166282, MedGen C1834144, MONDO:0008102, OMIM 163800.
Sinoatrial node disorder. Also called: Sinus node disease; Sinoatrial node disease. Identifiers: MedGen C0428908, MONDO:0000469.

Submissions (11):

Labcorp Genetics (formerly Invitae), Labcorp
Classification: Uncertain significance for Brugada syndrome 8. Last evaluated: 2026-02-01. Review status: criteria provided, single submitter. Criteria: Invitae Variant Classification Sherloc (09022015). Collection method: clinical testing. Allele origin: germline.
Comment: This sequence change creates a premature translational stop signal (p.Phe1168Glyfs*12) in the HCN4 gene. While this is not anticipated to result in nonsense mediated decay, it is expected to disrupt the last 36 amino acid(s) of the HCN4 protein. This variant is present in population databases (rs771725926, gnomAD 0.02%). This premature translational stop signal has been observed in individual(s) with sinus node disease (PMID: 23861362). ClinVar contains an entry for this variant (Variation ID: 191377). In summary, the available evidence is currently insufficient to determine the role of this variant in disease. Therefore, it has been classified as a Variant of Uncertain Significance.

Ambry Genetics
Classification: Uncertain significance for Cardiovascular phenotype. Last evaluated: 2025-09-08. Review status: criteria provided, single submitter. Criteria: Ambry Variant Classification Scheme 2023. Collection method: clinical testing. Allele origin: germline.
Comment: The c.3502_3505delTTTG variant, located in coding exon 8 of the HCN4 gene, results from a deletion of 4 nucleotides at nucleotide positions 3502 to 3505, causing a translational frameshift with a predicted alternate stop codon (p.F1168Gfs*12). This variant has been detected in individuals reported to have Brugada syndrome and atrial fibrillation; however, clinical details were limited and additional variants in arrhythmia-associated genes were detected in some cases (van Lint FHM et al. Neth Heart J. 2019 Jun;27(6):304-309; Sarquella-Brugada G et al. Hum Genet, 2022 Oct;141(10):1579-1589). This alteration is expected to result in protein truncation or nonsense-mediated mRNA decay. However, loss of function of HCN4 has not been established as a mechanism of disease. Based on the available evidence, the clinical significance of this variant remains unclear.

Athena Diagnostics
Classification: Uncertain significance. Last evaluated: 2025-01-21. Review status: criteria provided, single submitter. Criteria: Athena Diagnostics Criteria. Collection method: clinical testing. Allele origin: unknown.
Comment: Available data are insufficient to determine the clinical significance of the variant at this time. The frequency of this variant in the general population is uninformative in assessment of its pathogenicity. This variant is not expected to cause loss of protein expression through nonsense-mediated decay. It is unclear if protein function will be affected. Computational tools yielded predictions that this variant is unlikely to have an effect on normal RNA splicing.

Blueprint Genetics
Classification: Likely benign. Last evaluated: 2024-06-13. Review status: criteria provided, single submitter. Criteria: ACMG Guidelines, 2015. Collection method: clinical testing. Allele origin: germline.

GeneDx
Classification: Uncertain significance. Last evaluated: 2023-05-31. Review status: criteria provided, single submitter. Criteria: GeneDx Variant Classification Process June 2021. Collection method: clinical testing. Allele origin: germline. Affected: yes.
Comment: Reported in an individual in the ClinSeq Project who had a normal ECG and echocardiogram and no family history of arrhythmia or sudden cardiac death; denoted as c.3498_3501del due to alternate nomenclature (Ng et al., 2013); Has been reported as a variant of uncertain significance in an individual with Brugada syndrome (Sarquella-Brugada et al., 2021); Frameshift variant predicted to result in protein truncation as the last 36 amino acids are replaced with 11 different amino acids; This variant is associated with the following publications: (PMID: 26046366, 26582918, 23861362, 34546463)

Fulgent Genetics
Classification: Uncertain significance for Sick sinus syndrome 2, autosomal dominant; Brugada syndrome 8; Epilepsy, idiopathic generalized, susceptibility to, 18. Last evaluated: 2022-01-04. Review status: criteria provided, single submitter. Criteria: ACMG Guidelines, 2015. Collection method: clinical testing. Allele origin: unknown.

Biesecker Lab/Clinical Genomics Section, National Institutes of Health
Classification: Uncertain significance for Sinus node disease. Last evaluated: 2018-04-05. Review status: criteria provided, single submitter. Criteria: ACMG Guidelines, 2015. Collection method: research. Allele origin: unknown. Affected: no. Observed: 1 variant allele.
Comment: The study set was not selected for affection status in relation to arrhythmia or cardiomyopathy. Pathogenicity categories were based on literature curation. See Pubmed ID:25741868 for details.

Medical sequencing

Clinical Genetics DNA and cytogenetics Diagnostics Lab, Erasmus MC, Erasmus Medical Center
Classification: Uncertain significance. Review status: no assertion criteria provided. Collection method: clinical testing. Allele origin: germline. Affected: yes. Study: VKGL Data-share Consensus. Not counted in ClinVar's aggregate classification.

Clinical Genetics, Academic Medical Center
Classification: Uncertain significance. Review status: no assertion criteria provided. Collection method: clinical testing. Allele origin: germline. Affected: yes. Study: VKGL Data-share Consensus. Not counted in ClinVar's aggregate classification.

Diagnostic Laboratory, Department of Genetics, University Medical Center Groningen
Classification: Uncertain significance. Review status: no assertion criteria provided. Collection method: clinical testing. Allele origin: germline. Affected: yes. Study: VKGL Data-share Consensus. Not counted in ClinVar's aggregate classification.

Joint Genome Diagnostic Labs from Nijmegen and Maastricht, Radboudumc and MUMC+
Classification: Uncertain significance. Review status: no assertion criteria provided. Collection method: clinical testing. Allele origin: germline. Affected: yes. Study: VKGL Data-share Consensus. Not counted in ClinVar's aggregate classification.

Literature cited by the submitters: PubMed 23861362 (cited by 3 submitters); PubMed 30847666 (cited by Ambry Genetics and Athena Diagnostics); PubMed 34546463 (cited by Ambry Genetics and Athena Diagnostics); PubMed 39481677 (cited by Athena Diagnostics); PubMed 26046366 (cited by Athena Diagnostics).